The following is an entry in ClinVar:

ClinVar aggregate classification (germline): Uncertain significance (1 of 4 stars; one submission).

Submission:

Labcorp Genetics (formerly Invitae), Labcorp
Classification: Uncertain significance. Last evaluated: 2025-06-12. Review status: criteria provided, single submitter. Criteria: Invitae Variant Classification Sherloc (09022015). Collection method: clinical testing. Allele origin: germline.
Comment: This sequence change replaces tyrosine, which is neutral and polar, with leucine, which is neutral and non-polar, at codon 165 of the CFHR5 protein (p.Tyr165Leu). Information on the frequency of this variant in the gnomAD database is not available, as this variant may be reported differently in the database. This variant has not been reported in the literature in individuals affected with CFHR5-related conditions. ClinVar contains an entry for this variant (Variation ID: 2022326). An algorithm developed to predict the effect of missense changes on protein structure and function (PolyPhen-2) suggests that this variant is likely to be tolerated. In summary, the available evidence is currently insufficient to determine the role of this variant in disease. Therefore, it has been classified as a Variant of Uncertain Significance.

NM_030787.4(CFHR5):c.493_494delinsCT (p.Tyr165Leu)

Gene: CFHR5 (complement factor H related 5; plus strand). Cytogenetic location: 1q31.3.
Variant type: Indel.
Coding change: c.493_494delinsCT on transcript NM_030787.4 (MANE Select); coding-DNA positions 493 to 494, TA replaced by CT.
Protein change: p.Tyr165Leu; replaces tyrosine 165 with leucine.
Molecular consequence: missense variant.
Genome position (GRCh38, 1-based): chr1:196,994,142-196,994,143, TA replaced by CT. VCF-style: chr1-196994142-TA-CT. GRCh37 (hg19) VCF-style: chr1-196963272-TA-CT.
Other names: short protein forms Y165L.
Identifiers: ClinVar variation 2022326 (VCV002022326.4), dbSNP rs2526941927, ClinGen allele CA2580061801.